The following is an entry in ClinVar:

ClinVar aggregate classification (germline): Uncertain significance (1 of 4 stars; one submission).

Allele frequency attached by ClinVar (database versions not stated): gnomAD exomes below 0.00001; TOPMed below 0.00001; gnomAD 0.00001.
gnomAD v4.1: 2 of 1,614,030 alleles (0.00012%); highest among the groups gnomAD compares: Non-Finnish European, 0.00017%; no homozygotes.

Submission:

Labcorp Genetics (formerly Invitae), Labcorp
Classification: Uncertain significance. Last evaluated: 2023-02-01. Review status: criteria provided, single submitter. Criteria: Invitae Variant Classification Sherloc (09022015). Collection method: clinical testing. Allele origin: germline.
Comment: In summary, the available evidence is currently insufficient to determine the role of this variant in disease. Therefore, it has been classified as a Variant of Uncertain Significance. Algorithms developed to predict the effect of missense changes on protein structure and function output the following: SIFT: "Deleterious"; PolyPhen-2: "Benign"; Align-GVGD: "Class C55". The serine amino acid residue is found in multiple mammalian species, which suggests that this missense change does not adversely affect protein function. This variant has not been reported in the literature in individuals affected with SLC51B-related conditions. This variant is present in population databases (no rsID available, gnomAD 0.0009%). This sequence change replaces phenylalanine, which is neutral and non-polar, with serine, which is neutral and polar, at codon 119 of the SLC51B protein (p.Phe119Ser).

NM_178859.4(SLC51B):c.356T>C (p.Phe119Ser)

Genes: RASL12 (RAS like family 12; minus strand), SLC51B (SLC51 subunit beta; plus strand). Cytogenetic location: 15q22.31.
Variant type: single nucleotide variant.
Coding change: c.356T>C on transcript NM_178859.4 (MANE Select); coding-DNA position 356, T replaced by C.
Protein change: p.Phe119Ser; replaces phenylalanine 119 with serine.
Molecular consequence: missense variant.
Genome position (GRCh38, 1-based): chr15:65,053,133, T>C. VCF-style: chr15-65053133-T-C. GRCh37 (hg19) VCF-style: chr15-65345471-T-C.
Other names: short protein forms F119S.
Identifiers: ClinVar variation 2783729 (VCV002783729.3), dbSNP rs1273365416, ClinGen allele CA392842953.